The following is an entry in ClinVar:

NM_001374504.1(TMPRSS6):c.959C>T (p.Pro320Leu)

Gene: TMPRSS6 (transmembrane serine protease 6; minus strand). Cytogenetic location: 22q12.3.
Variant type: single nucleotide variant.
Coding change: c.959C>T on transcript NM_001374504.1 (MANE Select); coding-DNA position 959, C replaced by T.
Protein change: p.Pro320Leu; replaces proline 320 with leucine.
Molecular consequence: missense variant.
Genome position (GRCh38, 1-based): chr22:37,086,297, G>A on the plus strand (C>T on the coding strand, the complement: TMPRSS6 is on the minus strand). VCF-style: chr22-37086297-G-A. GRCh37 (hg19) VCF-style: chr22-37482337-G-A.
Other names: p.Pro329Leu; c.959C>T, p.Pro320Leu (NM_001289000.2, NM_001289001.2, NM_153609.4); short protein forms P320L.
Identifiers: ClinVar variation 4542452 (VCV004542452.1).

ClinVar aggregate classification (germline): Uncertain significance (1 of 4 stars; one submission).

gnomAD v4.1: 15 of 1,614,012 alleles (0.00093%); highest among the groups gnomAD compares: African/African-American, 0.012%; no homozygotes.

Submission:

Mayo Clinic Laboratories, Mayo Clinic
Classification: Uncertain significance. Last evaluated: 2025-06-03. Review status: criteria provided, single submitter. Criteria: ACMG Guidelines, 2015. Collection method: clinical testing. Allele origin: germline. Observed: 1 variant allele.
Comment: PM2_supporting